The following is an entry in ClinVar:

ClinVar aggregate classification (germline): Uncertain significance. Review status: criteria provided, multiple submitters, no conflicts (2 of 4 stars). 3 submissions from 3 submitters: Uncertain significance (3). Last evaluated 2023-08-02.

Conditions:
Colorectal cancer. Also called: Colorectal cancer, somatic; Malignant Colorectal Neoplasm. Identifiers: MedGen C0346629, MONDO:0005575, OMIM 114500.
Hereditary cancer-predisposing syndrome. Also called: Neoplastic Syndromes, Hereditary; Tumor predisposition; Hereditary Cancer Syndrome; Hereditary neoplastic syndrome. Identifiers: Orphanet 140162, MedGen C0027672, MeSH D009386, MONDO:0015356.
Oligodontia-cancer predisposition syndrome. Also called: TOOTH AGENESIS-COLORECTAL CANCER SYNDROME. Identifiers: Orphanet 300576, MedGen C1837750, MONDO:0012075, OMIM 608615. Disease mechanism: loss of function.

Allele frequency attached by ClinVar (database versions not stated): gnomAD exomes below 0.00001.

Submissions (3):

Baylor Genetics
Classification: Uncertain significance for Colorectal cancer. Last evaluated: 2023-08-02. Review status: criteria provided, single submitter. Criteria: ACMG Guidelines, 2015. Collection method: clinical testing. Allele origin: unknown.

Labcorp Genetics (formerly Invitae), Labcorp
Classification: Uncertain significance for Oligodontia-cancer predisposition syndrome. Last evaluated: 2022-12-16. Review status: criteria provided, single submitter. Criteria: Invitae Variant Classification Sherloc (09022015). Collection method: clinical testing. Allele origin: germline.
Comment: In summary, the available evidence is currently insufficient to determine the role of this variant in disease. Therefore, it has been classified as a Variant of Uncertain Significance. Algorithms developed to predict the effect of missense changes on protein structure and function are either unavailable or do not agree on the potential impact of this missense change (SIFT: "Deleterious"; PolyPhen-2: "Possibly Damaging"; Align-GVGD: "Class C0"). ClinVar contains an entry for this variant (Variation ID: 1788195). This variant has not been reported in the literature in individuals affected with AXIN2-related conditions. This variant is not present in population databases (gnomAD no frequency). This sequence change replaces aspartic acid, which is acidic and polar, with tyrosine, which is neutral and polar, at codon 746 of the AXIN2 protein (p.Asp746Tyr).

Ambry Genetics
Classification: Uncertain significance for Hereditary cancer-predisposing syndrome. Last evaluated: 2020-12-03. Review status: criteria provided, single submitter. Criteria: Ambry Variant Classification Scheme 2023. Collection method: clinical testing. Allele origin: germline.
Comment: The p.D746Y variant (also known as c.2236G>T), located in coding exon 8 of the AXIN2 gene, results from a G to T substitution at nucleotide position 2236. The aspartic acid at codon 746 is replaced by tyrosine, an amino acid with highly dissimilar properties. This amino acid position is well conserved in available vertebrate species. In addition, the in silico prediction for this alteration is inconclusive. Since supporting evidence is limited at this time, the clinical significance of this alteration remains unclear.

NM_004655.4(AXIN2):c.2236G>T (p.Asp746Tyr)

Gene: AXIN2 (axin 2; minus strand). Cytogenetic location: 17q24.1.
Variant type: single nucleotide variant.
Coding change: c.2236G>T on transcript NM_004655.4 (MANE Select); coding-DNA position 2236, G replaced by T.
Protein change: p.Asp746Tyr; replaces aspartic acid 746 with tyrosine.
Molecular consequence: missense variant.
Genome position (GRCh38, 1-based): chr17:65,535,627, C>A on the plus strand (G>T on the coding strand, the complement: AXIN2 is on the minus strand). VCF-style: chr17-65535627-C-A. GRCh37 (hg19) VCF-style: chr17-63531745-C-A.
Other names: c.2041G>T, p.Asp681Tyr (NM_001363813.1); short protein forms D746Y, D681Y.
Identifiers: ClinVar variation 1788195 (VCV001788195.6), dbSNP rs183475174, ClinGen allele CA400675697.
Genomic context (GRCh38, chr17:65,535,627, plus strand): 5'-AATATTCTGAAACATAAAGCACTCGGCAGATCTCAGTAATGTCAGGTAAAGACACTCACT[C>A]TTCTGGAGCCAGGCTTGGATTGGAGAAGGGTGTGGCTCCCGTCTGAACAGTGGCCGAATG-3'
Protein context (NP_004646.3, residues 736-756): PFSNPSLAPE[Asp746Tyr]HKEPKKLAGV